The following is an entry in ClinVar:

NM_001267550.2(TTN):c.40223-1G>A

Gene: TTN (titin; minus strand). Cytogenetic location: 2q31.2.
Variant type: single nucleotide variant.
Coding change: c.40223-1G>A on transcript NM_001267550.2 (MANE Select); the canonical splice acceptor site of the intron before coding-DNA position 40223, G replaced by A.
Molecular consequence: splice acceptor variant. On other transcripts: intron variant (5).
Genome position (GRCh38, 1-based): chr2:178,646,560, C>T on the plus strand (G>A on the coding strand, the complement: TTN is on the minus strand). VCF-style: chr2-178646560-C-T. GRCh37 (hg19) VCF-style: chr2-179511287-C-T.
Other names: c.13283-4243G>A (NM_003319.4); c.13859-4243G>A (NM_133437.4); c.13658-4243G>A (NM_133432.3); c.32594-530G>A (NM_133378.4); c.35375-530G>A (NM_001256850.1).
Identifiers: ClinVar variation 2103657 (VCV002103657.4), dbSNP rs2472105562, ClinGen allele CA349441286.
Genomic context (GRCh38, chr2:178,646,560, plus strand): 5'-CTTCAGGCTGTGGTTCAGGTTCGGGCTCTTCAGGTTTAATATACTTTTCAATTTCACGTT[C>T]TTTAAAGAATGTTGACAAAGGAGATGAGGTTGCAATGTAAAGTTCTTCAAAAAGACTCAT-3'

ClinVar aggregate classification (germline): Likely pathogenic (1 of 4 stars; one submission).

Conditions:
Dilated cardiomyopathy 1G (CMD1G). Identifiers: Orphanet 154, MedGen C1858763, MONDO:0011400, OMIM 604145.
Autosomal recessive limb-girdle muscular dystrophy type 2J (LGMDR10). Also called: Limb-girdle muscular dystrophy, type 2J; MUSCULAR DYSTROPHY, LIMB-GIRDLE, AUTOSOMAL RECESSIVE 10. Identifiers: Orphanet 140922, MedGen C1837342, MONDO:0012127, OMIM 608807.

Submission:

Labcorp Genetics (formerly Invitae), Labcorp
Classification: Likely pathogenic for Dilated cardiomyopathy 1G; Autosomal recessive limb-girdle muscular dystrophy type 2J. Last evaluated: 2024-10-18. Review status: criteria provided, single submitter. Criteria: Invitae Variant Classification Sherloc (09022015). Collection method: clinical testing. Allele origin: germline.
Comment: This sequence change affects an acceptor splice site in intron 215 of the TTN gene. It is expected to disrupt RNA splicing and likely results in a truncated or disrupted TTN protein. This variant is not present in population databases (gnomAD no frequency). This variant has not been reported in the literature in individuals affected with TTN-related conditions. ClinVar contains an entry for this variant (Variation ID: 2103657). Algorithms developed to predict the effect of sequence changes on RNA splicing suggest that this variant may disrupt the consensus splice site. This variant is located in the I band of TTN (PMID: 25589632). Truncating variants in this region have been reported in individuals affected with autosomal recessive centronuclear myopathy (PMID: 23975875, internal data). Truncating variants in this region have also been identified in individuals affected with autosomal dominant dilated cardiomyopathy and/or cardio-related conditions (PMID: 27869827, 32964742, internal data). In summary, the currently available evidence indicates that the variant is pathogenic, but additional data are needed to prove that conclusively. Therefore, this variant has been classified as Likely Pathogenic.

Literature cited by the submitters: PubMed 25589632; PubMed 23975875; PubMed 27869827; PubMed 32964742.